The following is an entry in ClinVar:

NM_138711.6(PPARG):c.958G>A (p.Val320Ile)

Gene: PPARG (peroxisome proliferator activated receptor gamma; plus strand). Cytogenetic location: 3p25.2.
Variant type: single nucleotide variant.
Coding change: c.958G>A on transcript NM_138711.6 (MANE Select); coding-DNA position 958, G replaced by A.
Protein change: p.Val320Ile; replaces valine 320 with isoleucine.
Molecular consequence: missense variant. On other transcripts: intron variant (5).
Genome position (GRCh38, 1-based): chr3:12,416,932, G>A. VCF-style: chr3-12416932-G-A. GRCh37 (hg19) VCF-style: chr3-12458431-G-A.
Other names: c.1048G>A (NM_015869.4); c.958G>A, p.Val320Ile (NM_001354666.3, NM_001354667.3, NM_001374263.2 and 3 more transcripts); c.331G>A, p.Val111Ile (NM_001354669.2); c.1048G>A, p.Val350Ile (NM_015869.5); c.729+10851G>A (NM_001374261.3, NM_001374262.3, NM_001330615.4); c.653+10933G>A (NM_001374266.1); c.819+10851G>A (NM_001374265.1); short protein forms V350I, V111I, V320I.
Identifiers: ClinVar variation 2974355 (VCV002974355.4), dbSNP rs929756683, ClinGen allele CA70184221.
Genomic context (GRCh38, chr3:12,416,932, plus strand): 5'-AGCATTCCTGGTTTTGTAAATCTTGACTTGAACGACCAAGTAACTCTCCTCAAATATGGA[G>A]TCCACGAGATCATTTACACAATGCTGGCCTCCTTGATGAATAAAGATGGGGTTCTCATAT-3'
Protein context (NP_619725.3, residues 310-330): NDQVTLLKYG[Val320Ile]HEIIYTMLAS

ClinVar aggregate classification (germline): Uncertain significance. Review status: criteria provided, multiple submitters, no conflicts (2 of 4 stars). 2 submissions from 2 submitters: Uncertain significance (2). Last evaluated 2025-01-29.

Conditions:
PPARG-related disorder. Also called: PPARG-related disorders; PPARG-related condition.

Allele frequency attached by ClinVar (database versions not stated): TOPMed below 0.00001; gnomAD exomes 0.00001.
gnomAD v4.1: 3 of 1,614,074 alleles (0.00019%); highest among the groups gnomAD compares: Non-Finnish European, 0.00025%; no homozygotes.

Submissions (2):

PreventionGenetics, part of Exact Sciences
Classification: Uncertain significance for PPARG-related condition. Last evaluated: 2025-01-29. Review status: criteria provided, single submitter. Criteria: ACMG Guidelines, 2015. Collection method: clinical testing. Allele origin: germline.
Comment: The PPARG c.1048G>A variant is predicted to result in the amino acid substitution p.Val350Ile. This variant (also reported as c.964G>A, p.Val322Ile) was reported in an individual undergoing testing for dyslipidemia (Table S2, Deshotels et al. 2022. PubMed ID: 36325899). This variant is reported in 0.00088% of alleles in individuals of European (Non-Finnish) descent in gnomAD. At this time, the clinical significance of this variant is uncertain due to the absence of conclusive functional and genetic evidence.

Labcorp Genetics (formerly Invitae), Labcorp
Classification: Uncertain significance. Last evaluated: 2023-11-21. Review status: criteria provided, single submitter. Criteria: Invitae Variant Classification Sherloc (09022015). Collection method: clinical testing. Allele origin: germline.
Comment: This sequence change replaces valine, which is neutral and non-polar, with isoleucine, which is neutral and non-polar, at codon 350 of the PPARG protein (p.Val350Ile). This variant is present in population databases (no rsID available, gnomAD 0.0009%). This variant has not been reported in the literature in individuals affected with PPARG-related conditions. Advanced modeling of protein sequence and biophysical properties (such as structural, functional, and spatial information, amino acid conservation, physicochemical variation, residue mobility, and thermodynamic stability) performed at Invitae indicates that this missense variant is not expected to disrupt PPARG protein function with a negative predictive value of 80%. In summary, the available evidence is currently insufficient to determine the role of this variant in disease. Therefore, it has been classified as a Variant of Uncertain Significance.